The following is an entry in ClinVar:

ClinVar aggregate classification (germline): Uncertain significance (1 of 4 stars; one submission).

Allele frequency attached by ClinVar (database versions not stated): gnomAD exomes 0.00004; ExAC 0.00006; TOPMed 0.00006; gnomAD 0.00009.
gnomAD v4.1: 74 of 1,609,692 alleles (0.0046%); highest among the groups gnomAD compares: Non-Finnish European, 0.0061%; no homozygotes.

Submission:

Labcorp Genetics (formerly Invitae), Labcorp
Classification: Uncertain significance. Last evaluated: 2026-01-29. Review status: criteria provided, single submitter. Criteria: Invitae Variant Classification Sherloc (09022015). Collection method: clinical testing. Allele origin: germline.
Comment: This sequence change replaces lysine, which is basic and polar, with arginine, which is basic and polar, at codon 1134 of the ITGAM protein (p.Lys1134Arg). This variant is present in population databases (rs201921030, gnomAD 0.02%). This variant has not been reported in the literature in individuals affected with ITGAM-related conditions. ClinVar contains an entry for this variant (Variation ID: 2168708). An algorithm developed to predict the effect of missense changes on protein structure and function (PolyPhen-2) suggests that this variant is likely to be disruptive. In summary, the available evidence is currently insufficient to determine the role of this variant in disease. Therefore, it has been classified as a Variant of Uncertain Significance.

NM_000632.4(ITGAM):c.3401A>G (p.Lys1134Arg)

Gene: ITGAM (integrin subunit alpha M; plus strand). Cytogenetic location: 16p11.2.
Variant type: single nucleotide variant.
Coding change: c.3401A>G on transcript NM_000632.4 (MANE Select); coding-DNA position 3401, A replaced by G.
Protein change: p.Lys1134Arg; replaces lysine 1134 with arginine.
Molecular consequence: missense variant.
Genome position (GRCh38, 1-based): chr16:31,331,649, A>G. VCF-style: chr16-31331649-A-G. GRCh37 (hg19) VCF-style: chr16-31342970-A-G.
Other names: c.3404A>G, p.Lys1135Arg (NM_001145808.2); short protein forms K1134R, K1135R.
Identifiers: ClinVar variation 2168708 (VCV002168708.4), dbSNP rs201921030, ClinGen allele CA8026237.